The following is an entry in ClinVar:

NM_001040272.6(ADAMTSL1):c.2829C>T (p.Gly943=)

Gene: ADAMTSL1 (ADAMTS like 1; plus strand). Cytogenetic location: 9p22.1.
Variant type: single nucleotide variant.
Coding change: c.2829C>T on transcript NM_001040272.6 (MANE Select); coding-DNA position 2829, C replaced by T.
Protein change: p.Gly943=; no amino-acid change (glycine 943 retained).
Molecular consequence: synonymous variant.
Genome position (GRCh38, 1-based): chr9:18,777,058, C>T. VCF-style: chr9-18777058-C-T. GRCh37 (hg19) VCF-style: chr9-18777056-C-T.
Identifiers: ClinVar variation 2659097 (VCV002659097.24), dbSNP rs762111267, ClinGen allele CA4999582.

ClinVar aggregate classification (germline): Likely benign (1 of 4 stars; one submission).

Allele frequency attached by ClinVar (database versions not stated): TOPMed 0.00010; gnomAD 0.00011; ExAC 0.00016.
gnomAD v4.1: 257 of 1,612,994 alleles (0.016%); highest among the groups gnomAD compares: South Asian, 0.029%; 1 homozygote.

Submission:

CeGaT Center for Human Genetics Tuebingen
Classification: Likely benign. Last evaluated: 2022-08-01. Review status: criteria provided, single submitter. Criteria: CeGaT Center For Human Genetics Tuebingen Variant Classification Criteria Version 2. Collection method: clinical testing. Allele origin: germline. Affected: yes. Observed: 1 variant allele.
Comment: ADAMTSL1: BP4